The following is an entry in ClinVar:

NM_001165963.4(SCN1A):c.2590-11T>A

Gene: SCN1A (sodium voltage-gated channel alpha subunit 1; minus strand). Cytogenetic location: 2q24.3.
Variant type: single nucleotide variant.
Coding change: c.2590-11T>A on transcript NM_001165963.4 (MANE Select); 11 bases into the intron before coding-DNA position 2590, T replaced by A.
Molecular consequence: intron variant.
Genome position (GRCh38, 1-based): chr2:166,038,143, A>T on the plus strand (T>A on the coding strand, the complement: SCN1A is on the minus strand). VCF-style: chr2-166038143-A-T. GRCh37 (hg19) VCF-style: chr2-166894653-A-T.
Other names: c.2557-11T>A (NM_001353949.2, NM_001353950.2, NM_001353951.2 and 2 more transcripts); c.2506-11T>A (NM_001353958.2, NM_001353957.2, NM_001165964.3); c.2590-11T>A (NM_001202435.3, NM_001353948.2); c.2554-11T>A (NM_001353955.2, NM_001353954.2); c.2503-11T>A (NM_001353960.2); c.148-11T>A (NM_001353961.2).
Identifiers: ClinVar variation 510671 (VCV000510671.1), dbSNP rs1553541551, ClinGen allele CA658795930.
Genomic context (GRCh38, chr2:166,038,143, plus strand): 5'-ATTAGCATATTTAACGTTGGCCAAGATTTTGCCAACTTGAAAACTCGCAGCTGGAAAATG[A>T]AAGATTAATATATATTTGTATGATTCTTAAAAGCATTATATATATTGAGCTTTACCTAGA-3'

ClinVar aggregate classification (germline): Likely benign (1 of 4 stars; one submission).

Submission:

GeneDx
Classification: Likely benign. Last evaluated: 2017-07-05. Review status: criteria provided, single submitter. Criteria: GeneDx Variant Classification (06012015). Collection method: clinical testing. Allele origin: germline. Affected: yes.
Comment: This variant is considered likely benign or benign based on one or more of the following criteria: it is a conservative change, it occurs at a poorly conserved position in the protein, it is predicted to be benign by multiple in silico algorithms, and/or has population frequency not consistent with disease.